The following is an entry in ClinVar:

ClinVar aggregate classification (germline): Uncertain significance. Review status: criteria provided, multiple submitters, no conflicts (2 of 4 stars). 5 submissions from 5 submitters: Uncertain significance (5). Last evaluated 2025-09-10.

Conditions:
Hypertrophic cardiomyopathy 8. Also called: MYL3-Related Familial Hypertrophic Cardiomyopathy; CARDIOMYOPATHY, HYPERTROPHIC, MID-LEFT VENTRICULAR CHAMBER TYPE, 1. Identifiers: MedGen C1837471, MONDO:0012111, OMIM 608751.
Cardiovascular phenotype. Identifiers: MedGen CN230736.
Hypertrophic cardiomyopathy. Also called: HYPERTROPHIC MYOCARDIOPATHY. Identifiers: Orphanet 217569, MedGen C0007194, MeSH D002312, MONDO:0005045, HP:0001639.

Submissions (5):

Labcorp Genetics (formerly Invitae), Labcorp
Classification: Uncertain significance for Hypertrophic cardiomyopathy. Last evaluated: 2025-09-10. Review status: criteria provided, single submitter. Criteria: Invitae Variant Classification Sherloc (09022015). Collection method: clinical testing. Allele origin: germline.
Comment: This sequence change replaces glycine, which is neutral and non-polar, with aspartic acid, which is acidic and polar, at codon 150 of the MYL3 protein (p.Gly150Asp). This variant is not present in population databases (gnomAD no frequency). This variant has not been reported in the literature in individuals affected with MYL3-related conditions. ClinVar contains an entry for this variant (Variation ID: 426252). An algorithm developed to predict the effect of missense changes on protein structure and function (PolyPhen-2) suggests that this variant is likely to be disruptive. In summary, the available evidence is currently insufficient to determine the role of this variant in disease. Therefore, it has been classified as a Variant of Uncertain Significance.

All of Us Research Program, National Institutes of Health
Classification: Uncertain significance for Hypertrophic cardiomyopathy. Last evaluated: 2023-10-23. Review status: criteria provided, single submitter. Criteria: ACMG Guidelines, 2015. Collection method: clinical testing. Allele origin: germline. Inheritance: Autosomal dominant inheritance. Observed: 2 variant alleles, 2 heterozygotes.
Comment: This missense variant replaces glycine with aspartic acid at codon 150 of the MYL3 protein. Computational prediction suggests that this variant may have deleterious impact on protein structure and function (internally defined REVEL score threshold >= 0.7, PMID: 27666373). To our knowledge, functional studies have not been reported for this variant. This variant has not been reported in individuals affected with cardiovascular disorders in the literature. This variant has not been identified in the general population by the Genome Aggregation Database (gnomAD). The available evidence is insufficient to determine the role of this variant in disease conclusively. Therefore, this variant is classified as a Variant of Uncertain Significance.

This study involves interpretation of variants in research participants for the purpose of population health screening. Participant phenotype was not available at the time of variant classification. Additional details can be found in publication PMID: 35346344, PMCID: PMC8962531

Ambry Genetics
Classification: Uncertain significance for Cardiovascular phenotype. Last evaluated: 2022-11-10. Review status: criteria provided, single submitter. Criteria: Ambry Variant Classification Scheme 2023. Collection method: clinical testing. Allele origin: germline.
Comment: The p.G150D variant (also known as c.449G>A), located in coding exon 4 of the MYL3 gene, results from a G to A substitution at nucleotide position 449. The glycine at codon 150 is replaced by aspartic acid, an amino acid with similar properties. This amino acid position is conserved. In addition, this alteration is predicted to be deleterious by in silico analysis. Since supporting evidence is limited at this time, the clinical significance of this alteration remains unclear.

Fulgent Genetics
Classification: Uncertain significance for Hypertrophic cardiomyopathy 8. Last evaluated: 2021-07-05. Review status: criteria provided, single submitter. Criteria: ACMG Guidelines, 2015. Collection method: clinical testing. Allele origin: unknown.

GeneDx
Classification: Uncertain significance. Last evaluated: 2019-04-22. Review status: criteria provided, single submitter. Criteria: GeneDx Variant Classification Process June 2021. Collection method: clinical testing. Allele origin: germline. Affected: yes.
Comment: Not observed in large population cohorts (Lek et al., 2016); In silico analysis, which includes protein predictors and evolutionary conservation, supports a deleterious effect; Has not been previously published as pathogenic or benign to our knowledge

NM_000258.3(MYL3):c.449G>A (p.Gly150Asp)

Gene: MYL3 (myosin light chain 3; minus strand). Cytogenetic location: 3p21.31.
Variant type: single nucleotide variant.
Coding change: c.449G>A on transcript NM_000258.3 (MANE Select); coding-DNA position 449, G replaced by A.
Protein change: p.Gly150Asp; replaces glycine 150 with aspartic acid.
Molecular consequence: missense variant.
Genome position (GRCh38, 1-based): chr3:46,859,507, C>T on the plus strand (G>A on the coding strand, the complement: MYL3 is on the minus strand). VCF-style: chr3-46859507-C-T. GRCh37 (hg19) VCF-style: chr3-46900997-C-T.
Other names: short protein forms G150D.
Identifiers: ClinVar variation 426252 (VCV000426252.9), dbSNP rs1085307526, ClinGen allele CA352495928.